The following is an entry in ClinVar:

NM_000264.5(PTCH1):c.4249C>A (p.His1417Asn)

Gene: PTCH1 (patched 1; minus strand). Cytogenetic location: 9q22.32.
Variant type: single nucleotide variant.
Coding change: c.4249C>A on transcript NM_000264.5 (MANE Select); coding-DNA position 4249, C replaced by A.
Protein change: p.His1417Asn; replaces histidine 1417 with asparagine.
Molecular consequence: missense variant. On other transcripts: non-coding transcript variant (1).
Genome position (GRCh38, 1-based): chr9:95,447,007, G>T on the plus strand (C>A on the coding strand, the complement: PTCH1 is on the minus strand). VCF-style: chr9-95447007-G-T. GRCh37 (hg19) VCF-style: chr9-98209289-G-T.
Other names: c.4051C>A, p.His1351Asn (NM_001083602.3); c.4246C>A, p.His1416Asn (NM_001083603.3); c.3796C>A, p.His1266Asn (NM_001083604.3, NM_001083605.3, NM_001083606.3 and 1 more transcripts); c.4093C>A, p.His1365Asn (NM_001354918.2); short protein forms H1365N, H1416N, H1417N, H1351N, H1266N.
Identifiers: ClinVar variation 653772 (VCV000653772.16), dbSNP rs776235476, ClinGen allele CA5137913.

ClinVar aggregate classification (germline): Conflicting classifications of pathogenicity. Review status: criteria provided, conflicting classifications (1 of 4 stars). 3 submissions from 3 submitters: Uncertain significance (1); Likely benign (2). Last evaluated 2025-11-11.

Conditions:
Gorlin syndrome. Also called: Nevoid Basal Cell Carcinoma Syndrome; Basal cell nevus syndrome. Identifiers: Orphanet 377, MedGen C0004779, MONDO:0007187.
Hereditary cancer-predisposing syndrome. Also called: Neoplastic Syndromes, Hereditary; Hereditary neoplastic syndrome; Hereditary Cancer Syndrome; Tumor predisposition. Identifiers: Orphanet 140162, MedGen C0027672, MeSH D009386, MONDO:0015356.

Allele frequency attached by ClinVar (database versions not stated): ExAC 0.00001; gnomAD 0.00001; gnomAD exomes 0.00001; TOPMed 0.00001.
gnomAD v4.1: 7 of 1,614,084 alleles (0.00043%); highest among the groups gnomAD compares: Admixed American, 0.0017%; no homozygotes.

Submissions (3):

Labcorp Genetics (formerly Invitae), Labcorp
Classification: Likely benign for Gorlin syndrome. Last evaluated: 2025-11-11. Review status: criteria provided, single submitter. Criteria: Invitae Variant Classification Sherloc (09022015). Collection method: clinical testing. Allele origin: germline.

GeneDx
Classification: Uncertain significance. Last evaluated: 2024-11-15. Review status: criteria provided, single submitter. Criteria: GeneDx Variant Classification Process June 2021. Collection method: clinical testing. Allele origin: germline. Affected: yes.
Comment: In silico analysis indicates that this missense variant does not alter protein structure/function; Has not been previously published as pathogenic or benign to our knowledge

Ambry Genetics
Classification: Likely benign for Hereditary cancer-predisposing syndrome. Last evaluated: 2019-05-29. Review status: criteria provided, single submitter. Criteria: Ambry Variant Classification Scheme 2023. Collection method: clinical testing. Allele origin: germline.